The following is an entry in ClinVar:

ClinVar aggregate classification (germline): Pathogenic (1 of 4 stars; one submission).

Submission:

Labcorp Genetics (formerly Invitae), Labcorp
Classification: Pathogenic. Last evaluated: 2022-09-07. Review status: criteria provided, single submitter. Criteria: Invitae Variant Classification Sherloc (09022015). Collection method: clinical testing. Allele origin: germline.
Comment: This sequence change creates a premature translational stop signal (p.Asn298Thrfs*72) in the SLC34A1 gene. It is expected to result in an absent or disrupted protein product. Loss-of-function variants in SLC34A1 are known to be pathogenic (PMID: 26047794). This variant is not present in population databases (gnomAD no frequency). This variant has not been reported in the literature in individuals affected with SLC34A1-related conditions. For these reasons, this variant has been classified as Pathogenic.

Literature cited by the submitters: PubMed 26047794.

NM_003052.5(SLC34A1):c.891del (p.Asn298fs)

Gene: SLC34A1 (solute carrier family 34 member 1; plus strand). Cytogenetic location: 5q35.3.
Variant type: Deletion.
Coding change: c.891del on transcript NM_003052.5 (MANE Select); coding-DNA position 891, one base deleted (G; older notation c.891delG).
Protein change: p.Asn298fs; shifts the reading frame from asparagine 298.
Molecular consequence: frameshift variant.
Genome position (GRCh38, 1-based): chr5:177,388,327, G deleted; the last of 2 consecutive G bases (chr5:177,388,326-177,388,327); deleting either gives the same sequence. VCF-style (leftmost placement, unchanged base first): chr5-177388325-AG-A. GRCh37 (hg19) VCF-style: chr5-176815326-AG-A.
Other names: c.891del, p.Asn298fs (NM_001167579.2); short protein forms N298fs.
Identifiers: ClinVar variation 2029385 (VCV002029385.4), dbSNP rs1306875523, ClinGen allele CA447963482.